The following is an entry in ClinVar:

NM_021620.4(PRDM13):c.1225C>A (p.Pro409Thr)

Gene: PRDM13 (PR/SET domain 13; plus strand). Cytogenetic location: 6q16.2.
Variant type: single nucleotide variant.
Coding change: c.1225C>A on transcript NM_021620.4 (MANE Select); coding-DNA position 1225, C replaced by A.
Protein change: p.Pro409Thr; replaces proline 409 with threonine.
Molecular consequence: missense variant.
Genome position (GRCh38, 1-based): chr6:99,613,860, C>A. VCF-style: chr6-99613860-C-A. GRCh37 (hg19) VCF-style: chr6-100061736-C-A.
Other names: short protein forms P409T.
Identifiers: ClinVar variation 1448357 (VCV001448357.7), dbSNP rs752430129, ClinGen allele CA3936331.

ClinVar aggregate classification (germline): Uncertain significance. Review status: criteria provided, multiple submitters, no conflicts (2 of 4 stars). 2 submissions from 2 submitters: Uncertain significance (2). Last evaluated 2025-01-06.

Allele frequency attached by ClinVar (database versions not stated): gnomAD exomes 0.00005 and 0.00010; gnomAD 0.00006 and 0.00007; TOPMed 0.00006; ExAC 0.00019.
gnomAD v4.1: 81 of 1,507,302 alleles (0.0054%); highest among the groups gnomAD compares: Middle Eastern, 0.038%; no homozygotes.

Submissions (2):

Labcorp Genetics (formerly Invitae), Labcorp
Classification: Uncertain significance. Last evaluated: 2025-01-06. Review status: criteria provided, single submitter. Criteria: Invitae Variant Classification Sherloc (09022015). Collection method: clinical testing. Allele origin: germline.
Comment: This sequence change replaces proline, which is neutral and non-polar, with threonine, which is neutral and polar, at codon 409 of the PRDM13 protein (p.Pro409Thr). This variant is present in population databases (rs752430129, gnomAD 0.03%). This variant has not been reported in the literature in individuals affected with PRDM13-related conditions. ClinVar contains an entry for this variant (Variation ID: 1448357). An algorithm developed to predict the effect of missense changes on protein structure and function (PolyPhen-2) suggests that this variant is likely to be tolerated. In summary, the available evidence is currently insufficient to determine the role of this variant in disease. Therefore, it has been classified as a Variant of Uncertain Significance.

Blueprint Genetics
Classification: Uncertain significance. Last evaluated: 2018-11-28. Review status: criteria provided, single submitter. Criteria: ACMG Guidelines, 2015. Collection method: clinical testing. Allele origin: germline.